The following is an entry in ClinVar:

ClinVar aggregate classification (germline): Uncertain significance. Review status: criteria provided, multiple submitters, no conflicts (2 of 4 stars). 2 submissions from 2 submitters: Uncertain significance (2). Last evaluated 2025-10-22.

Conditions:
Charcot-Marie-Tooth disease type 2. Also called: Charcot-Marie-Tooth type 2. Identifiers: Orphanet 64746, MedGen C0270914, MONDO:0018993.

Allele frequency attached by ClinVar (database versions not stated): gnomAD 0.00001; TOPMed below 0.00001.
gnomAD v4.1: 1 of 1,614,122 alleles (0.000062%); highest among the groups gnomAD compares: Admixed American, 0.0017%; no homozygotes.

Submissions (2):

Ambry Genetics
Classification: Uncertain significance. Last evaluated: 2025-10-22. Review status: criteria provided, single submitter. Criteria: Ambry Variant Classification Scheme 2023. Collection method: clinical testing. Allele origin: germline.
Comment: The p.F1173I variant (also known as c.3517T>A), located in coding exon 31 of the KIF1B gene, results from a T to A substitution at nucleotide position 3517. The phenylalanine at codon 1173 is replaced by isoleucine, an amino acid with highly similar properties. This amino acid position is conserved. In addition, this alteration is predicted to be tolerated by in silico analysis. Since supporting evidence is limited at this time, the clinical significance of this alteration remains unclear.

Labcorp Genetics (formerly Invitae), Labcorp
Classification: Uncertain significance for Charcot-Marie-Tooth disease type 2. Last evaluated: 2025-09-02. Review status: criteria provided, single submitter. Criteria: Invitae Variant Classification Sherloc (09022015). Collection method: clinical testing. Allele origin: germline.
Comment: This sequence change replaces phenylalanine, which is neutral and non-polar, with isoleucine, which is neutral and non-polar, at codon 1173 of the KIF1B protein (p.Phe1173Ile). This variant is present in population databases (no rsID available, gnomAD 0.003%). This variant has not been reported in the literature in individuals affected with KIF1B-related conditions. ClinVar contains an entry for this variant (Variation ID: 2421919). An algorithm developed to predict the effect of missense changes on protein structure and function (PolyPhen-2) suggests that this variant is likely to be tolerated. In summary, the available evidence is currently insufficient to determine the role of this variant in disease. Therefore, it has been classified as a Variant of Uncertain Significance.

NM_001365951.3(KIF1B):c.3655T>A (p.Phe1219Ile)

Gene: KIF1B (kinesin family member 1B; plus strand). Cytogenetic location: 1p36.22.
Variant type: single nucleotide variant.
Coding change: c.3655T>A on transcript NM_001365951.3 (MANE Select); coding-DNA position 3655, T replaced by A.
Protein change: p.Phe1219Ile; replaces phenylalanine 1219 with isoleucine.
Molecular consequence: missense variant.
Genome position (GRCh38, 1-based): chr1:10,343,254, T>A. VCF-style: chr1-10343254-T-A. GRCh37 (hg19) VCF-style: chr1-10403312-T-A.
Other names: c.3655T>A, p.Phe1219Ile (NM_001365952.1); c.3517T>A, p.Phe1173Ile (NM_015074.3); short protein forms F1173I, F1219I.
Identifiers: ClinVar variation 2421919 (VCV002421919.7), dbSNP rs1247401324, ClinGen allele CA338342100.